The following is an entry in ClinVar:

NM_013339.4(ALG6):c.155C>T (p.Pro52Leu)

Gene: ALG6 (ALG6 alpha-1,3-glucosyltransferase; plus strand). Cytogenetic location: 1p31.3.
Variant type: single nucleotide variant.
Coding change: c.155C>T on transcript NM_013339.4 (MANE Select); coding-DNA position 155, C replaced by T.
Protein change: p.Pro52Leu; replaces proline 52 with leucine.
Molecular consequence: missense variant.
Genome position (GRCh38, 1-based): chr1:63,396,585, C>T. VCF-style: chr1-63396585-C-T. GRCh37 (hg19) VCF-style: chr1-63862256-C-T.
Other names: short protein forms P52L.
Identifiers: ClinVar variation 875358 (VCV000875358.11), dbSNP rs201074540, ClinGen allele CA888072.

ClinVar aggregate classification (germline): Uncertain significance. Review status: criteria provided, multiple submitters, no conflicts (2 of 4 stars). 4 submissions from 4 submitters: Uncertain significance (3). 1 of the submissions does not count toward it. Last evaluated 2025-12-12.

Conditions:
ALG6-congenital disorder of glycosylation 1C (CDG1C). Also called: CARBOHYDRATE-DEFICIENT GLYCOPROTEIN SYNDROME, TYPE I, WITH DEFICIENT GLYCOSYLATION OF DOLICHOL-LINKED OLIGOSACCHARIDE; CARBOHYDRATE-DEFICIENT GLYCOPROTEIN SYNDROME, TYPE V; Congenital disorder of glycosylation type 1C; CDG Ic; Congenital disorder of glycosylation, type Ic. Identifiers: Orphanet 79320, MedGen C2930997, MONDO:0011291, OMIM 603147.

Allele frequency attached by ClinVar (database versions not stated): gnomAD 0.00001 and 0.00002; TOPMed 0.00003; gnomAD exomes 0.00006 and 0.00008; ExAC 0.00007; 1000 Genomes Project 30x 0.00016; 1000 Genomes Project 0.00020.
gnomAD v4.1: 83 of 1,612,856 alleles (0.0051%); highest among the groups gnomAD compares: South Asian, 0.063%; no homozygotes.

Submissions (4):

Victorian Clinical Genetics Services, Murdoch Childrens Research Institute
Classification: Uncertain significance for ALG6-congenital disorder of glycosylation 1C. Last evaluated: 2025-12-12. Review status: criteria provided, single submitter. Criteria: ACMG Guidelines, 2015. Collection method: clinical testing. Allele origin: germline. Affected: yes.
Comment: This variant is classified as VUS-3A. Evidence in support of pathogenic classification: Variant is present in gnomAD <0.01 for a recessive condition (v4: 83 heterozygote(s), 0 homozygote(s)). - Missense variant predicted to be damaging by in silico tool(s) or highly conserved with a major amino acid change. Additional information: Variant is predicted to result in a missense amino acid change from Pro to Leu; This variant is homozygous; This gene is associated with autosomal recessive disease; Alternative amino acid change(s) at the same position are present in gnomAD (highest allele count: v4: 2 heterozygote(s), 0 homozygote(s)). - Previous evidence of pathogenicity for this variant is inconclusive. This variant has been classified as a VUS by clinical laboratories in ClinVar; No published evidence of segregation with disease has been identified for this variant; No published functional evidence has been identified for this variant; Another missense variant comparable to the one identified in this case has inconclusive previous evidence for pathogenicity. The p.(Pro52Ser) variant has been classified as a VUS by a clinical laboratory in ClinVar; Variant is located in the annotated ALG6, ALG8 glycosyltransferase family domain (DECIPHER); Loss of function is a known mechanism of disease in this gene and is associated with congenital disorder of glycosylation, type Ic (MIM#603147).

Labcorp Genetics (formerly Invitae), Labcorp
Classification: Uncertain significance for ALG6-congenital disorder of glycosylation 1C. Last evaluated: 2024-11-27. Review status: criteria provided, single submitter. Criteria: Invitae Variant Classification Sherloc (09022015). Collection method: clinical testing. Allele origin: germline.
Comment: This sequence change replaces proline, which is neutral and non-polar, with leucine, which is neutral and non-polar, at codon 52 of the ALG6 protein (p.Pro52Leu). This variant is present in population databases (rs201074540, gnomAD 0.05%). This variant has not been reported in the literature in individuals affected with ALG6-related conditions. ClinVar contains an entry for this variant (Variation ID: 875358). Invitae Evidence Modeling of protein sequence and biophysical properties (such as structural, functional, and spatial information, amino acid conservation, physicochemical variation, residue mobility, and thermodynamic stability) indicates that this missense variant is expected to disrupt ALG6 protein function with a positive predictive value of 80%. In summary, the available evidence is currently insufficient to determine the role of this variant in disease. Therefore, it has been classified as a Variant of Uncertain Significance.

Illumina Laboratory Services, Illumina
Classification: Uncertain significance for ALG6-congenital disorder of glycosylation 1C. Last evaluated: 2018-01-12. Review status: criteria provided, single submitter. Criteria: ICSL Variant Classification Criteria 13 December 2019. Collection method: clinical testing. Allele origin: germline.

Natera, Inc.
Classification: Uncertain significance for Congenital disorder of glycosylation type 1c. Last evaluated: 2020-03-21. Review status: no assertion criteria provided. Collection method: clinical testing. Allele origin: germline. Not counted in ClinVar's aggregate classification.